The following is an entry in ClinVar:

ClinVar aggregate classification (germline): Uncertain significance (1 of 4 stars; one submission).

Conditions:
Charcot-Marie-Tooth disease type 4J (CMT4J). Also called: Charcot-Marie-Tooth Neuropathy Type 4J; CHARCOT-MARIE-TOOTH DISEASE, DEMYELINATING, TYPE 4J; CHARCOT-MARIE-TOOTH DISEASE, AUTOSOMAL RECESSIVE, TYPE 4J. Identifiers: Orphanet 139515, MedGen C1970011, MONDO:0012640, OMIM 611228.
Yunis-Varon syndrome (YVS). Also called: Cleidocranial dysplasia, micrognathia, absent thumbs, & distal aphalangia. Identifiers: Orphanet 3472, MedGen C1857663, MONDO:0008995, OMIM 216340.
Charcot-Marie-Tooth disease type 4. Also called: Charcot-Marie-Tooth disease, type IV; Charcot-Marie-Tooth, Type 4. Identifiers: Orphanet 64749, MedGen C4082197, MONDO:0018995.

Allele frequency attached by ClinVar (database versions not stated): gnomAD 0.00001 and 0.00003; gnomAD exomes 0.00001; TOPMed 0.00001; ExAC 0.00002; 1000 Genomes Project 30x 0.00016; 1000 Genomes Project 0.00020.
gnomAD v4.1: 17 of 1,614,014 alleles (0.0011%); highest among the groups gnomAD compares: East Asian, 0.0022%; no homozygotes.

Submission:

Labcorp Genetics (formerly Invitae), Labcorp
Classification: Uncertain significance for Charcot-Marie-Tooth disease type 4. Last evaluated: 2025-04-14. Review status: criteria provided, single submitter. Criteria: Invitae Variant Classification Sherloc (09022015). Collection method: clinical testing. Allele origin: germline.
Comment: This sequence change replaces arginine, which is basic and polar, with tryptophan, which is neutral and slightly polar, at codon 766 of the FIG4 protein (p.Arg766Trp). This variant is present in population databases (rs552937585, gnomAD 0.003%). This variant has not been reported in the literature in individuals affected with FIG4-related conditions. ClinVar contains an entry for this variant (Variation ID: 944958). An algorithm developed to predict the effect of missense changes on protein structure and function (PolyPhen-2) suggests that this variant is likely to be disruptive. In summary, the available evidence is currently insufficient to determine the role of this variant in disease. Therefore, it has been classified as a Variant of Uncertain Significance.

NM_014845.6(FIG4):c.2296C>T (p.Arg766Trp)

Gene: FIG4 (FIG4 phosphoinositide 5-phosphatase; plus strand). Cytogenetic location: 6q21.
Variant type: single nucleotide variant.
Coding change: c.2296C>T on transcript NM_014845.6 (MANE Select); coding-DNA position 2296, C replaced by T.
Protein change: p.Arg766Trp; replaces arginine 766 with tryptophan.
Molecular consequence: missense variant.
Genome position (GRCh38, 1-based): chr6:109,791,491, C>T. VCF-style: chr6-109791491-C-T. GRCh37 (hg19) VCF-style: chr6-110112694-C-T.
Other names: short protein forms R766W.
Identifiers: ClinVar variation 944958 (VCV000944958.12), dbSNP rs552937585, ClinGen allele CA3956341.